The following is an entry in ClinVar:

ClinVar aggregate classification (germline): Uncertain significance (1 of 4 stars; one submission).

Conditions:
Inborn genetic diseases. Identifiers: MedGen C0950123, MeSH D030342.

Allele frequency attached by ClinVar (database versions not stated): gnomAD 0.00006; TOPMed 0.00001; ExAC 0.00016.
gnomAD v4.1: 158 of 1,614,032 alleles (0.0098%); highest among the groups gnomAD compares: South Asian, 0.092%; 1 homozygote.

Submission:

Ambry Genetics
Classification: Uncertain significance for Inborn genetic diseases. Last evaluated: 2026-07-27. Review status: criteria provided, single submitter. Criteria: Ambry Variant Classification Scheme 2023. Collection method: clinical testing. Allele origin: germline.
Comment: The c.2567C>T (p.T856I) alteration is located in exon 20 (coding exon 20) of the DPYD gene. This alteration results from a C to T substitution at nucleotide position 2567, causing the threonine (T) at amino acid position 856 to be replaced by an isoleucine (I). Based on data from gnomAD, the T allele has an overall frequency of 0.011% (32/282496) total alleles studied. The highest observed frequency was 0.069% (21/30614) of South Asian alleles. Based on insufficient or conflicting evidence, the clinical significance of this alteration remains unclear.

NM_000110.4(DPYD):c.2567C>T (p.Thr856Ile)

Genes: DPYD (dihydropyrimidine dehydrogenase; minus strand), DPYD-AS1 (DPYD antisense RNA 1; plus strand). Cytogenetic location: 1p21.3.
Variant type: single nucleotide variant.
Coding change: c.2567C>T on transcript NM_000110.4 (MANE Select); coding-DNA position 2567, C replaced by T.
Protein change: p.Thr856Ile; replaces threonine 856 with isoleucine.
Molecular consequence: missense variant.
Genome position (GRCh38, 1-based): chr1:97,193,124, G>A on the plus strand (C>T on the coding strand, the complement: DPYD is on the minus strand). VCF-style: chr1-97193124-G-A. GRCh37 (hg19) VCF-style: chr1-97658680-G-A.
Other names: short protein forms T856I.
Identifiers: ClinVar variation 2346770 (VCV002346770.3), dbSNP rs752228747, ClinGen allele CA963006.